The following is an entry in ClinVar:

ClinVar aggregate classification (germline): Uncertain significance (1 of 4 stars; one submission).

Conditions:
Intellectual disability, CASK-related, X-linked. Identifiers: MedGen CN043158.

Submission:

Labcorp Genetics (formerly Invitae), Labcorp
Classification: Uncertain significance for Intellectual disability, CASK-related, X-linked. Last evaluated: 2021-09-17. Review status: criteria provided, single submitter. Criteria: Invitae Variant Classification Sherloc (09022015). Collection method: clinical testing. Allele origin: germline.
Comment: In summary, the available evidence is currently insufficient to determine the role of this variant in disease. Therefore, it has been classified as a Variant of Uncertain Significance. Experimental studies and prediction algorithms are not available or were not evaluated, and the functional significance of this variant is currently unknown. A similar copy number variant has been observed in individual(s) with clinical features of CASK-related conditions (Invitae). This variant is a gross deletion of the genomic region encompassing exon(s) 14 of the CASK gene. This variant would be expected to be in-frame, preserving the integrity of the reading frame.

NC_000023.10:g.(?_41446140)_(41446260_?)del

Gene: CASK (calcium/calmodulin dependent serine protein kinase; minus strand). Cytogenetic location: Xp11.4.
Variant type: Deletion.
Identifiers: ClinVar variation 1410846 (VCV001410846.4).